The following is an entry in ClinVar:

NM_000091.5(COL4A3):c.279+1G>C

Genes: COL4A3 (collagen type IV alpha 3 chain; plus strand), MFF-DT (MFF divergent transcript; minus strand). Cytogenetic location: 2q36.3.
Variant type: single nucleotide variant.
Coding change: c.279+1G>C on transcript NM_000091.5 (MANE Select); the canonical splice donor site of the intron after coding-DNA position 279, G replaced by C.
Molecular consequence: splice donor variant.
Genome position (GRCh38, 1-based): chr2:227,244,365, G>C. VCF-style: chr2-227244365-G-C. GRCh37 (hg19) VCF-style: chr2-228109081-G-C.
Identifiers: ClinVar variation 3235992 (VCV003235992.1), dbSNP rs202001097, ClinGen allele CA350860722.
Genomic context (GRCh38, chr2:227,244,365, plus strand): 5'-TTCACTTGAATCTAGGGCTTTCCAGGACTTCCAGGACTCACGGGTTCCAAAGGTGTAAGG[G>C]TTAGTAGTCCAACCAGTCCACCCTGATCGTTAAAAGATCAGCTTTTCACAGTAAGAGTTA-3'

ClinVar aggregate classification (germline): Likely pathogenic (1 of 4 stars; one submission).

Conditions:
Autosomal dominant Alport syndrome (ATS3A). Also called: Alport syndrome dominant type; Renal failure and sensorineural hearing loss; ALPORT SYNDROME 3A, AUTOSOMAL DOMINANT. Identifiers: Orphanet 63, Orphanet 88918, MedGen C5882663, MONDO:0007086, OMIM 104200.

Submission:

MVZ Medizinische Genetik Mainz
Classification: Likely pathogenic for Autosomal dominant Alport syndrome. Last evaluated: 2022-11-18. Review status: criteria provided, single submitter. Criteria: UK Practice Guidelines For Variant Classification V4 01 2020. Collection method: clinical testing. Allele origin: germline. Inheritance: Autosomal dominant inheritance. Affected: yes. Observed: 1 variant allele.
Comment: ACMG Criteria: PVS1_STR, PM2_SUP, PP4